The following is an entry in ClinVar:

ClinVar aggregate classification (germline): Likely benign (1 of 4 stars; one submission).

Submission:

CeGaT Center for Human Genetics Tuebingen
Classification: Likely benign. Last evaluated: 2024-08-01. Review status: criteria provided, single submitter. Criteria: CeGaT Center For Human Genetics Tuebingen Variant Classification Criteria Version 2. Collection method: clinical testing. Allele origin: germline. Affected: yes. Observed: 1 variant allele.
Comment: PIGQ: BP4, BP7

NM_004204.5(PIGQ):c.*473C>T

Gene: PIGQ (phosphatidylinositol glycan anchor biosynthesis class Q; plus strand). Cytogenetic location: 16p13.3.
Variant type: single nucleotide variant.
Coding change: c.*473C>T on transcript NM_004204.5 (MANE Select); 473 bases downstream of the stop codon, C replaced by T.
Molecular consequence: 3 prime UTR variant. On other transcripts: synonymous variant (1).
Genome position (GRCh38, 1-based): chr16:583,508, C>T. VCF-style: chr16-583508-C-T. GRCh37 (hg19) VCF-style: chr16-633508-C-T.
Other names: c.2157C>T, p.Ala719= (NM_148920.4).
Identifiers: ClinVar variation 3341792 (VCV003341792.16).